The following is an entry in ClinVar:

ClinVar aggregate classification (germline): Uncertain significance. Review status: criteria provided, multiple submitters, no conflicts (2 of 4 stars). 2 submissions from 2 submitters: Uncertain significance (2). Last evaluated 2021-06-16.

Conditions:
Mosaic variegated aneuploidy syndrome 1 (MVA1). Also called: Warburton-Anyane-Yeboa syndrome. Identifiers: Orphanet 1052, MedGen C1850343, MONDO:0009759, OMIM 257300.

Submissions (2):

Labcorp Genetics (formerly Invitae), Labcorp
Classification: Uncertain significance for Mosaic variegated aneuploidy syndrome 1. Last evaluated: 2021-06-16. Review status: criteria provided, single submitter. Criteria: Invitae Variant Classification Sherloc (09022015). Collection method: clinical testing. Allele origin: germline.
Comment: In summary, the available evidence is currently insufficient to determine the role of this variant in disease. Therefore, it has been classified as a Variant of Uncertain Significance. Algorithms developed to predict the effect of missense changes on protein structure and function are either unavailable or do not agree on the potential impact of this missense change (SIFT: "Tolerated"; PolyPhen-2: "Possibly Damaging"; Align-GVGD: "Class C0"). This variant has not been reported in the literature in individuals with BUB1B-related conditions. This variant is not present in population databases (ExAC no frequency). This sequence change replaces glutamic acid with glycine at codon 286 of the BUB1B protein (p.Glu286Gly). The glutamic acid residue is highly conserved and there is a moderate physicochemical difference between glutamic acid and glycine.

Baylor Genetics
Classification: Uncertain significance for Mosaic variegated aneuploidy syndrome 1. Last evaluated: 2019-11-20. Review status: criteria provided, single submitter. Criteria: ACMG Guidelines, 2015. Collection method: clinical testing. Allele origin: unknown. Affected: yes.
Comment: This variant was determined to be of uncertain significance according to ACMG Guidelines, 2015 [PMID:25741868].

NM_001211.6(BUB1B):c.857A>G (p.Glu286Gly)

Gene: BUB1B (BUB1 mitotic checkpoint serine/threonine kinase B; plus strand). Cytogenetic location: 15q15.1.
Variant type: single nucleotide variant.
Coding change: c.857A>G on transcript NM_001211.6 (MANE Select); coding-DNA position 857, A replaced by G.
Protein change: p.Glu286Gly; replaces glutamic acid 286 with glycine.
Molecular consequence: missense variant.
Genome position (GRCh38, 1-based): chr15:40,185,270, A>G. VCF-style: chr15-40185270-A-G. GRCh37 (hg19) VCF-style: chr15-40477471-A-G.
Other names: short protein forms E286G.
Identifiers: ClinVar variation 1030304 (VCV001030304.8), dbSNP rs2037345499, ClinGen allele CA391684403.